The following is an entry in ClinVar:

NM_000059.4(BRCA2):c.7363del (p.His2455fs)

Gene: BRCA2 (BRCA2 DNA repair associated; plus strand). Cytogenetic location: 13q13.1.
Variant type: Deletion.
Coding change: c.7363del on transcript NM_000059.4 (MANE Select); coding-DNA position 7363, one base deleted (C; older notation c.7363delC).
Protein change: p.His2455fs; shifts the reading frame from histidine 2455.
Molecular consequence: frameshift variant.
Genome position (GRCh38, 1-based): chr13:32,355,216, C deleted. VCF-style (leftmost placement, unchanged base first): chr13-32355215-TC-T. GRCh37 (hg19) VCF-style: chr13-32929352-TC-T.
Other names: 7591delC; c.7363delC (NM_000059.3); short protein forms H2455fs.
Identifiers: ClinVar variation 267004 (VCV000267004.9), dbSNP rs886040702, ClinGen allele CA10589424.
Genomic context (GRCh38, chr13:32,355,215, plus strand): 5'-GCAAAACATTGATGGACATGGCTCTGATGATAGTAAAAATAAGATTAATGACAATGAGAT[TC>T]ATCAGTTTAACAAAAACAACTCCAATCAAGCAGTAGCTGTAACTTTCACAAAGTGTGAAG-3'

ClinVar aggregate classification (germline): Pathogenic. Review status: reviewed by expert panel (3 of 4 stars). 4 submissions from 4 submitters: Pathogenic (1). 3 of the submissions do not count toward it. Last evaluated 2016-10-18.

Conditions:
Breast-ovarian cancer, familial, susceptibility to, 2 (BROVCA2). Also called: BRCA2 Hereditary Breast and Ovarian Cancer. Identifiers: Orphanet 145, MedGen C2675520, MONDO:0012933, OMIM 612555. Disease mechanism: loss of function.
Hereditary breast ovarian cancer syndrome. Also called: BRCA1- and BRCA2-Associated Hereditary Breast and Ovarian Cancer; Hereditary breast and ovarian cancer; Breast and ovarian cancer; Hereditary breast and/or ovarian cancer syndrome; Hereditary breast and ovarian cancer syndrome; Hereditary breast and ovarian cancer syndrome (HBOC). Identifiers: Orphanet 145, MedGen C0677776, MeSH D061325, MONDO:0003582. Disease mechanism: loss of function.

Submissions (4):

Evidence-based Network for the Interpretation of Germline Mutant Alleles (ENIGMA)
Classification: Pathogenic for Breast-ovarian cancer, familial, susceptibility to, 2. Last evaluated: 2016-10-18. Review status: reviewed by expert panel. Criteria: ENIGMA BRCA1/2 Classification Criteria (2015). Collection method: curation. Allele origin: germline.
Comment: Variant allele predicted to encode a truncated non-functional protein.

GeneKor MSA
Classification: Pathogenic for Hereditary breast ovarian cancer syndrome. Last evaluated: 2025-05-15. Review status: criteria provided, single submitter. Criteria: ACMG Guidelines, 2015. Collection method: clinical testing. Allele origin: germline. Affected: yes. Not counted in ClinVar's aggregate classification.
Comment: This sequence change deletes one base from exon 14 of the BRCA2 mRNA c.(7363del) causing a frameshift after codon 2455 and the creation of a premature translation stop signal 12 amino acid residues later p. (His2455Ilefs*12). This is expected to result in an absent or disrupted protein product. Truncating variants in BRCA2 are known to be pathogenic. This variant has been reported in individuals with breast cancer (PMID:29310832).This variant is not present in population databases (rs886040702,ExAC no frequency). The mutation database ClinVar contains entries for this variant where it is listed as pathogenic (VCV000267004.8). Based on the classification criteria set by the ACMG and AMP (PMID:25741868) this variant has been classified as Pathogenic.

Women's Health and Genetics/Laboratory Corporation of America, LabCorp
Classification: Pathogenic for Hereditary breast ovarian cancer syndrome. Last evaluated: 2022-10-11. Review status: criteria provided, single submitter. Criteria: LabCorp Variant Classification Summary - May 2015. Collection method: clinical testing. Allele origin: germline. Not counted in ClinVar's aggregate classification.
Comment: Variant summary: BRCA2 c.7363delC (p.His2455IlefsX12) results in a premature termination codon, predicted to cause a truncation of the encoded protein or absence of the protein due to nonsense mediated decay, which are commonly known mechanisms for disease. Truncations downstream of this position have been classified as pathogenic by our laboratory. The variant was absent in 251108 control chromosomes. c.7363delC has been reported in the literature in individuals affected with Hereditary Breast And Ovarian Cancer Syndrome (e.g. Konstantopoulou_2014, Fostira_2020). These data indicate that the variant is likely to be associated with disease. To our knowledge, no experimental evidence demonstrating an impact on protein function has been reported. Two clinical diagnostic laboratories have submitted clinical-significance assessments for this variant to ClinVar after 2014 without evidence for independent evaluation. Both laboratories classified the variant as pathogenic. Based on the evidence outlined above, the variant was classified as pathogenic.

Consortium of Investigators of Modifiers of BRCA1/2 (CIMBA), c/o University of Cambridge
Classification: Pathogenic for Breast-ovarian cancer, familial, susceptibility to, 2. Last evaluated: 2015-10-02. Review status: criteria provided, single submitter. Criteria: CIMBA Mutation Classification guidelines May 2016. Collection method: clinical testing. Allele origin: germline. Not counted in ClinVar's aggregate classification.

Literature cited by the submitters: PubMed 29310832 (cited by GeneKor MSA); PubMed 24010542 (cited by Women's Health and Genetics/Laboratory Corporation of America, LabCorp); PubMed 29446198 (cited by Women's Health and Genetics/Laboratory Corporation of America, LabCorp); PubMed 31300551 (cited by Women's Health and Genetics/Laboratory Corporation of America, LabCorp).